The following is an entry in ClinVar:

Conditions:
Long QT syndrome 5 (LQT5). Identifiers: Orphanet 101016, Orphanet 768, MedGen C1867904, MONDO:0013372, OMIM 613695.

Submission:

Roden Lab, Vanderbilt University Medical Center
No classification provided (evidence only). Condition: Long QT syndrome 5. Review status: no classification provided. Collection method: in vitro. Allele origin: not applicable. Functional consequence: Effect on ion channel function.
ClinVar note: "not provided" was previously submitted as the classification for the variant. However, the classification appeared to be based only on an observation of functional data so it was converted to no classification on 2025-07-30.

NM_000219.6(KCNE1):c.175C>A (p.Leu59Met)

Gene: KCNE1 (potassium voltage-gated channel subfamily E regulatory subunit 1; minus strand). Cytogenetic location: 21q22.12.
Variant type: single nucleotide variant.
Coding change: c.175C>A on transcript NM_000219.6 (MANE Select); coding-DNA position 175, C replaced by A.
Protein change: p.Leu59Met; replaces leucine 59 with methionine.
Molecular consequence: missense variant.
Genome position (GRCh38, 1-based): chr21:34,449,460, G>T on the plus strand (C>A on the coding strand, the complement: KCNE1 is on the minus strand). VCF-style: chr21-34449460-G-T. GRCh37 (hg19) VCF-style: chr21-35821758-G-T.
Other names: c.175C>A, p.Leu59Met (NM_001127668.4, NM_001127669.4, NM_001127670.4 and 4 more transcripts); short protein forms L59M.
Identifiers: ClinVar variation 3374246 (VCV003374246.2).